The following is an entry in ClinVar:

NM_001254.4(CDC6):c.968C>G (p.Thr323Arg)

Gene: CDC6 (cell division cycle 6; plus strand). Cytogenetic location: 17q21.2.
Variant type: single nucleotide variant.
Coding change: c.968C>G on transcript NM_001254.4 (MANE Select); coding-DNA position 968, C replaced by G.
Protein change: p.Thr323Arg; replaces threonine 323 with arginine.
Molecular consequence: missense variant.
Genome position (GRCh38, 1-based): chr17:40,294,388, C>G. VCF-style: chr17-40294388-C-G. GRCh37 (hg19) VCF-style: chr17-38450640-C-G.
Other names: short protein forms T323R.
Identifiers: ClinVar variation 30271 (VCV000030271.2), dbSNP rs387906842, ClinGen allele CA129081.

ClinVar aggregate classification (germline): no classifications from unflagged records (0 of 4 stars; one submission).

Conditions:
Meier-Gorlin syndrome 5 (MGORS5). Identifiers: Orphanet 2554, MedGen C3151126, MONDO:0013432, OMIM 613805.

Submission:

OMIM
Classification: Pathogenic for MEIER-GORLIN SYNDROME 5. Last evaluated: 2011-02-27. Review status: flagged submission. Collection method: literature only. Allele origin: germline.
ClinVar note: Notes: Flagging candidate with reason of insufficient supporting evidence. This gene has been classified as having a limited gene-disease relationship by a ClinGen Expert Panel
ClinVar note: Reason: P/LP classification for a variant in a gene with insufficient evidence for a gene-disease relationship

Literature cited by the submitters: PubMed 11477602; PubMed 21358632.